The following is an entry in ClinVar:

NM_001042492.3(NF1):c.4203C>T (p.Ser1401=)

Gene: NF1 (neurofibromin 1; plus strand). Cytogenetic location: 17q11.2.
Variant type: single nucleotide variant.
Coding change: c.4203C>T on transcript NM_001042492.3 (MANE Select); coding-DNA position 4203, C replaced by T.
Protein change: p.Ser1401=; no amino-acid change (serine 1401 retained).
Molecular consequence: synonymous variant.
Genome position (GRCh38, 1-based): chr17:31,258,373, C>T. VCF-style: chr17-31258373-C-T. GRCh37 (hg19) VCF-style: chr17-29585391-C-T.
Other names: c.4140C>T, p.Ser1380= (NM_000267.4).
Identifiers: ClinVar variation 824623 (VCV000824623.12), dbSNP rs991237227, ClinGen allele CA289350505.

ClinVar aggregate classification (germline): Conflicting classifications of pathogenicity. Review status: criteria provided, conflicting classifications (1 of 4 stars). 4 submissions from 4 submitters: Uncertain significance (1); Likely benign (3). Last evaluated 2025-03-12.

Conditions:
Hereditary cancer-predisposing syndrome. Also called: Neoplastic Syndromes, Hereditary; Hereditary Cancer Syndrome; Hereditary neoplastic syndrome; Tumor predisposition. Identifiers: Orphanet 140162, MedGen C0027672, MeSH D009386, MONDO:0015356.
Cardiovascular phenotype. Identifiers: MedGen CN230736.
Neurofibromatosis, type 1 (NF1). Also called: Neurofibromatosis, type I; Peripheral type neurofibromatosis; VON RECKLINGHAUSEN DISEASE; NEUROFIBROMATOSIS, TYPE I, SOMATIC. Identifiers: Orphanet 636, MedGen C0027831, MONDO:0018975, OMIM 162200. Disease mechanism: loss of function.

Allele frequency attached by ClinVar (database versions not stated): gnomAD exomes below 0.00001; TOPMed below 0.00001.
gnomAD v4.1: 2 of 1,613,784 alleles (0.00012%); highest among the groups gnomAD compares: Middle Eastern, 0.016%; no homozygotes.

Submissions (4):

Labcorp Genetics (formerly Invitae), Labcorp
Classification: Likely benign for Neurofibromatosis, type 1. Last evaluated: 2025-03-12. Review status: criteria provided, single submitter. Criteria: Invitae Variant Classification Sherloc (09022015). Collection method: clinical testing. Allele origin: germline.

GeneDx
Classification: Uncertain significance. Last evaluated: 2023-10-09. Review status: criteria provided, single submitter. Criteria: GeneDx Variant Classification Process June 2021. Collection method: clinical testing. Allele origin: germline. Affected: yes.
Comment: In silico analysis supports that this variant does not alter splicing; Has not been previously published as pathogenic or benign to our knowledge

Genome-Nilou Lab
Classification: Likely benign for Neurofibromatosis, type 1. Last evaluated: 2022-03-15. Review status: criteria provided, single submitter. Criteria: ACMG Guidelines, 2015. Collection method: clinical testing. Allele origin: germline. Affected: no.

Ambry Genetics
Classification: Likely benign for Cardiovascular phenotype; Hereditary cancer-predisposing syndrome. Last evaluated: 2018-09-24. Review status: criteria provided, single submitter. Criteria: Ambry Variant Classification Scheme 2023. Collection method: clinical testing. Allele origin: germline.